The following is an entry in ClinVar:

ClinVar aggregate classification (germline): Likely benign. Review status: criteria provided, multiple submitters, no conflicts (2 of 4 stars). 3 submissions from 3 submitters: Likely benign (2). 1 of the submissions does not count toward it. Last evaluated 2023-11-27.

Conditions:
Hereditary sensory and autonomic neuropathy type 6. Also called: HSAN VI; Neuropathy, hereditary sensory and autonomic, type VI. Identifiers: Orphanet 314381, MedGen C3539003, MONDO:0013839, OMIM 614653.
Epidermolysis bullosa simplex 3, localized or generalized intermediate, with BP230 deficiency (EBS3). Also called: Epidermolysis bullosa simplex, autosomal recessive 2; Epidermolysis bullosa simplex due to BP230 deficiency. Identifiers: Orphanet 412181, MedGen C3809470, MONDO:0014180, OMIM 615425.
DST-related disorder. Also called: DST-related disorders; DST-related condition.

Allele frequency attached by ClinVar (database versions not stated): TOPMed 0.00002; gnomAD 0.00005; gnomAD exomes 0.00008 and 0.00016; ExAC 0.00019; 1000 Genomes Project 0.00040; 1000 Genomes Project 30x 0.00047.
gnomAD v4.1: 135 of 1,613,102 alleles (0.0084%); highest among the groups gnomAD compares: South Asian, 0.13%; 2 homozygotes.

Submissions (3):

Labcorp Genetics (formerly Invitae), Labcorp
Classification: Likely benign for Epidermolysis bullosa simplex 3, localized or generalized intermediate, with BP230 deficiency; Hereditary sensory and autonomic neuropathy type 6. Last evaluated: 2023-11-27. Review status: criteria provided, single submitter. Criteria: Invitae Variant Classification Sherloc (09022015). Collection method: clinical testing. Allele origin: germline.

CeGaT Center for Human Genetics Tuebingen
Classification: Likely benign. Last evaluated: 2022-12-01. Review status: criteria provided, single submitter. Criteria: CeGaT Center For Human Genetics Tuebingen Variant Classification Criteria Version 2. Collection method: clinical testing. Allele origin: germline. Affected: yes. Observed: 1 variant allele.
Comment: DST: BP4, BP7

PreventionGenetics, part of Exact Sciences
Classification: Likely benign for DST-related condition. Last evaluated: 2024-07-03. Review status: no assertion criteria provided. Collection method: clinical testing. Allele origin: germline. Not counted in ClinVar's aggregate classification.
Comment: This variant is classified as likely benign based on ACMG/AMP sequence variant interpretation guidelines (Richards et al. 2015 PMID: 25741868, with internal and published modifications).

NM_001374736.1(DST):c.20148G>A (p.Thr6716=)

Gene: DST (dystonin; minus strand). Cytogenetic location: 6p12.1.
Variant type: single nucleotide variant.
Coding change: c.20148G>A on transcript NM_001374736.1 (MANE Select); coding-DNA position 20148, G replaced by A.
Protein change: p.Thr6716=; no amino-acid change (threonine 6716 retained).
Molecular consequence: synonymous variant.
Genome position (GRCh38, 1-based): chr6:56,497,454, C>T on the plus strand (G>A on the coding strand, the complement: DST is on the minus strand). VCF-style: chr6-56497454-C-T. GRCh37 (hg19) VCF-style: chr6-56362252-C-T.
Other names: c.13791G>A (NM_001144769.2); c.13791G>A, p.Thr4597= (NM_001144769.5); c.13377G>A, p.Thr4459= (NM_001144770.2); c.20148G>A, p.Thr6716= (NM_001374722.1); c.19188G>A, p.Thr6396= (NM_001374729.1); c.12930G>A, p.Thr4310= (NM_001374730.1); c.20175G>A, p.Thr6725= (NM_001374734.1); c.13257G>A, p.Thr4419= (NM_001386100.1, NM_183380.4); and 1 more.
Identifiers: ClinVar variation 1649502 (VCV001649502.32), dbSNP rs552952660, ClinGen allele CA3866826.